The following is an entry in ClinVar:

ClinVar aggregate classification (germline): Uncertain significance. Review status: criteria provided, multiple submitters, no conflicts (2 of 4 stars). 2 submissions from 2 submitters: Uncertain significance (2). Last evaluated 2023-10-02.

Conditions:
Inborn genetic diseases. Identifiers: MedGen C0950123, MeSH D030342.

Allele frequency attached by ClinVar (database versions not stated): gnomAD exomes below 0.00001; TOPMed 0.00001; gnomAD 0.00002.
gnomAD v4.1: 4 of 1,614,074 alleles (0.00025%); highest among the groups gnomAD compares: African/African-American, 0.0027%; no homozygotes.

Submissions (2):

Ambry Genetics
Classification: Uncertain significance for Inborn genetic diseases. Last evaluated: 2023-10-02. Review status: criteria provided, single submitter. Criteria: Ambry Variant Classification Scheme 2023. Collection method: clinical testing. Allele origin: germline.

Labcorp Genetics (formerly Invitae), Labcorp
Classification: Uncertain significance. Last evaluated: 2021-08-12. Review status: criteria provided, single submitter. Criteria: Invitae Variant Classification Sherloc (09022015). Collection method: clinical testing. Allele origin: germline.
Comment: This variant is not present in population databases (ExAC no frequency). This sequence change replaces glutamic acid with lysine at codon 292 of the PIGV protein (p.Glu292Lys). The glutamic acid residue is weakly conserved and there is a small physicochemical difference between glutamic acid and lysine. This variant has not been reported in the literature in individuals affected with PIGV-related conditions. Algorithms developed to predict the effect of missense changes on protein structure and function output the following: SIFT: "Tolerated"; PolyPhen-2: "Benign"; Align-GVGD: "Class C0". The lysine amino acid residue is found in multiple mammalian species, which suggests that this missense change does not adversely affect protein function. In summary, the available evidence is currently insufficient to determine the role of this variant in disease. Therefore, it has been classified as a Variant of Uncertain Significance.

NM_017837.4(PIGV):c.874G>A (p.Glu292Lys)

Gene: PIGV (phosphatidylinositol glycan anchor biosynthesis class V; plus strand). Cytogenetic location: 1p36.11.
Variant type: single nucleotide variant.
Coding change: c.874G>A on transcript NM_017837.4 (MANE Select); coding-DNA position 874, G replaced by A.
Protein change: p.Glu292Lys; replaces glutamic acid 292 with lysine.
Molecular consequence: missense variant. On other transcripts: non-coding transcript variant (1), intron variant (1).
Genome position (GRCh38, 1-based): chr1:26,794,908, G>A. VCF-style: chr1-26794908-G-A. GRCh37 (hg19) VCF-style: chr1-27121399-G-A.
Other names: c.874G>A, p.Glu292Lys (NM_001202554.2, NM_001374478.1, NM_001374480.1 and 2 more transcripts); c.493G>A, p.Glu165Lys (NM_001374483.1); c.247G>A, p.Glu83Lys (NM_001374484.1, NM_001374485.1); c.79-2655G>A (NM_001374486.1); c.874G>A (NM_017837.3); short protein forms E165K, E292K, E83K.
Identifiers: ClinVar variation 1413400 (VCV001413400.5), dbSNP rs1310524839, ClinGen allele CA339200950.
Genomic context (GRCh38, chr1:26,794,908, plus strand): 5'-ATTCCTGAGCCTTTGGTACAGTTAGCTGTAGACAAGGGCTACCGGATTGCAGAGGGAAAT[G>A]AACCGCCTTGGTGCTTCTGGGATGTTCCACTAATATACAGCTATATCCAGGATGTCTACT-3'
Protein context (NP_060307.2, residues 282-302): DKGYRIAEGN[Glu292Lys]PPWCFWDVPL